The following is an entry in ClinVar:

ClinVar aggregate classification (germline): Uncertain significance. Review status: criteria provided, multiple submitters, no conflicts (2 of 4 stars). 2 submissions from 2 submitters: Uncertain significance (2). Last evaluated 2024-12-25.

Allele frequency attached by ClinVar (database versions not stated): TOPMed 0.00002.
gnomAD v4.1: 1 of 1,614,206 alleles (0.000062%); no homozygotes.

Submissions (2):

Labcorp Genetics (formerly Invitae), Labcorp
Classification: Uncertain significance. Last evaluated: 2024-12-25. Review status: criteria provided, single submitter. Criteria: Invitae Variant Classification Sherloc (09022015). Collection method: clinical testing. Allele origin: germline.
Comment: This sequence change replaces glutamic acid, which is acidic and polar, with glycine, which is neutral and non-polar, at codon 21 of the MYH3 protein (p.Glu21Gly). This variant is not present in population databases (gnomAD no frequency). This variant has not been reported in the literature in individuals affected with MYH3-related conditions. ClinVar contains an entry for this variant (Variation ID: 1684931). Invitae Evidence Modeling of protein sequence and biophysical properties (such as structural, functional, and spatial information, amino acid conservation, physicochemical variation, residue mobility, and thermodynamic stability) has been performed for this missense variant. However, the output from this modeling did not meet the statistical confidence thresholds required to predict the impact of this variant on MYH3 protein function. In summary, the available evidence is currently insufficient to determine the role of this variant in disease. Therefore, it has been classified as a Variant of Uncertain Significance.

Mendelics
Classification: Uncertain significance. Last evaluated: 2022-05-04. Review status: criteria provided, single submitter. Criteria: Mendelics Assertion Criteria 2019. Collection method: clinical testing. Allele origin: germline.

NM_002470.4(MYH3):c.62A>G (p.Glu21Gly)

Gene: MYH3 (myosin heavy chain 3; minus strand). Cytogenetic location: 17p13.1.
Variant type: single nucleotide variant.
Coding change: c.62A>G on transcript NM_002470.4 (MANE Select); coding-DNA position 62, A replaced by G.
Protein change: p.Glu21Gly; replaces glutamic acid 21 with glycine.
Molecular consequence: missense variant.
Genome position (GRCh38, 1-based): chr17:10,655,003, T>C on the plus strand (A>G on the coding strand, the complement: MYH3 is on the minus strand). VCF-style: chr17-10655003-T-C. GRCh37 (hg19) VCF-style: chr17-10558320-T-C.
Other names: short protein forms E21G.
Identifiers: ClinVar variation 1684931 (VCV001684931.6), dbSNP rs1358980010, ClinGen allele CA398119259.